The following is an entry in ClinVar:

ClinVar aggregate classification (germline): Pathogenic. Review status: reviewed by expert panel (3 of 4 stars). 17 submissions from 17 submitters: Pathogenic (1). 16 of the submissions do not count toward it. Last evaluated 2025-05-14.

Conditions:
Muscular dystrophy, limb-girdle, autosomal dominant 4. Also called: Calpain-3-related limb-girdle muscular dystrophy D4; MUSCULAR DYSTROPHY, LIMB-GIRDLE, TYPE 1I. Identifiers: Orphanet 565909, MedGen C4748295, MONDO:0029133, OMIM 618129.
Autosomal recessive limb-girdle muscular dystrophy type 2A (LGMDR1). Also called: Muscular dystrophy, limb-girdle, type 2A, Amish; LEYDEN-MOEBIUS MUSCULAR DYSTROPHY; MUSCULAR DYSTROPHY, PELVOFEMORAL; Limb-girdle muscular dystrophy, type 2A; Calpainopathy. Identifiers: Orphanet 267, MedGen C1869123, MONDO:0009675, OMIM 253600. Disease mechanism: loss of function.
CAPN3-related disorder. Also called: CAPN3-related condition; CAPN3-related disorders. Identifiers: MedGen CN239245.
Autosomal recessive limb-girdle muscular dystrophy. Identifiers: Orphanet 102015, MedGen C2931907, MONDO:0015152.

Allele frequency attached by ClinVar (database versions not stated): ExAC 0.00007; ESP Exome Variant Server 0.00008; gnomAD 0.00008 and 0.00009; 1000 Genomes Project 30x 0.00016; TOPMed 0.00018; 1000 Genomes Project 0.00020.
gnomAD v4.1: 107 of 1,613,678 alleles (0.0066%); highest among the groups gnomAD compares: Admixed American, 0.04%; no homozygotes.

Submissions 1 to 9 of 17:

ClinGen Limb Girdle Muscular Dystrophy Variant Curation Expert Panel, ClinGen
Classification: Pathogenic for Autosomal recessive limb-girdle muscular dystrophy. Last evaluated: 2025-05-14. Review status: reviewed by expert panel. Criteria: ClinGen LGMD VCEP ACMG Specifications CAPN3 V1.0.0. Collection method: curation. Allele origin: germline. Inheritance: Autosomal recessive inheritance.
Comment: The NM_000070.3: c.1303G>A variant in CAPN3 is a missense variant expected to result in the substitution of glutamine for lysine at amino acid 435, p.(Glu435Lys). This variant has been detected in at least 8 individuals with features of LGMD (PMID: 20635405, 35157181, 18854869, 38812636, 33931068, 30564623; LOVD CAPN3_000134), including in a homozygous state in two unrelated patients without reported familial consanguinity (0.5 pts x2 = 1.0 pt, PMID: 35157181, 30564623, LOVD Individual #00222544). In addition, the variant was confirmed in trans with a likely pathogenic or pathogenic variant in at least three individuals (c.598_612del (p.Phe200_Leu204del), 1.0 pt, PMID: 33931068; c.550del p.(Thr184ArgfsTer36), 1.0 pt, PMID: 38812636; c.967G>T p.(Glu323Ter), 1.0 pt, PMID: 18854869) (PM3_Very Strong). At least one patient with this variant displayed progressive limb girdle muscle weakness and absent expression of calpain-3 protein in skeletal muscle, which is highly specific for CAPN3-related LGMD (PMID: 18854869) (PP4_Strong). The highest population minor allele frequency of this variant is 0.0003357 (15/44684 exome chromosomes) for the Admixed American population in gnomAD v4.1.0), which is higher than the LGMD VCEP threshold (<0.0001) for PM2_Supporting (criterion not met). The computational predictor REVEL gives a score of 0.815, which is above the LGMD VCEP threshold of ≥0.70, evidence that correlates with impact to CAPN3 function (PP3). In summary, this variant meets the criteria to be classified as Pathogenic for autosomal recessive limb girdle muscular dystrophy based on the ACMG/AMP criteria applied, as specified by the ClinGen LGMD VCEP (LGMD VCEP specifications version 1.0.0; 05/14/2025): PM3_Very Strong, PP4_Strong, PP3.

Labcorp Genetics (formerly Invitae), Labcorp
Classification: Pathogenic for Autosomal recessive limb-girdle muscular dystrophy type 2A. Last evaluated: 2026-01-19. Review status: criteria provided, single submitter. Criteria: Invitae Variant Classification Sherloc (09022015). Collection method: clinical testing. Allele origin: germline. Not counted in ClinVar's aggregate classification.
Comment: This sequence change replaces glutamic acid, which is acidic and polar, with lysine, which is basic and polar, at codon 435 of the CAPN3 protein (p.Glu435Lys). The frequency data for this variant in the population databases is considered unreliable, as metrics indicate poor data quality at this position in the gnomAD database. This missense change has been observed in individual(s) with autosomal recessive limb-girdle muscular dystrophy (PMID: 18854869, 20635405, 23553538, 33931068). In at least one individual the data is consistent with being in trans (on the opposite chromosome) from a pathogenic variant. ClinVar contains an entry for this variant (Variation ID: 282173). Invitae Evidence Modeling of protein sequence and biophysical properties (such as structural, functional, and spatial information, amino acid conservation, physicochemical variation, residue mobility, and thermodynamic stability) indicates that this missense variant is not expected to disrupt CAPN3 protein function with a negative predictive value of 80%. Experimental studies have shown that this missense change affects CAPN3 function (PMID: 19226146). For these reasons, this variant has been classified as Pathogenic.

Natera, Inc.
Classification: Likely pathogenic for Limb-girdle muscular dystrophy type 2A. Last evaluated: 2025-11-19. Review status: criteria provided, single submitter. Criteria: Natera Variant Classification Schema (03/2026). Collection method: clinical testing. Allele origin: germline. Not counted in ClinVar's aggregate classification.
Comment: The c.1303G>A variant in CAPN3 is a missense variant predicted to cause substitution of glutamic acid to lysine at amino acid 435. This variant is rare in the general population with a frequency below the threshold expected for the associated phenotype(s). This variant has been observed in one or more individuals affected with the associated recessive disease, as either homozygous or compound heterozygous with a second variant (PMID: 35157181, 20635405, 18854869, 33931068, 38812636). Computational prediction algorithms indicate this variant is likely to affect gene or protein function. Given the available evidence, this variant is classified as Likely Pathogenic.

GeneDx
Classification: Likely pathogenic. Last evaluated: 2025-10-07. Review status: criteria provided, single submitter. Criteria: GeneDx Variant Classification Process June 2021. Collection method: clinical testing. Allele origin: germline. Affected: yes. Not counted in ClinVar's aggregate classification.
Comment: Reported in the heterozygous state without a second identifiable CAPN3 variant in an individual with late onset limb girdle muscular dystrophy who had complete calpain-3 deficiency on Western blot (PMID: 15221789); Not observed at significant frequency in large population cohorts (gnomAD); In silico analysis supports that this missense variant has a deleterious effect on protein structure/function; This variant is associated with the following publications: (PMID: 19226146, 16141003, 31589614, 32528171, 11371436, 26363099, 34149409, Aksu2020[casereport], 20635405, 23553538, 35157181, 38812636, 15221789, 39678382, 30564623, 33931068, 18854869, 40870035, 15689361)

First Genomix Gene Laboratory, Genetic Diagnostics Department
Classification: Pathogenic for Autosomal recessive limb-girdle muscular dystrophy type 2A. Last evaluated: 2025-08-01. Review status: criteria provided, single submitter. Criteria: ACMG Guidelines, 2015. Collection method: clinical testing. Allele origin: germline. Inheritance: Autosomal recessive inheritance. Affected: no. Observed: 1 variant allele. Not counted in ClinVar's aggregate classification.

PreventionGenetics, part of Exact Sciences
Classification: Likely pathogenic for CAPN3-related condition. Last evaluated: 2025-01-03. Review status: criteria provided, single submitter. Criteria: ACMG Guidelines, 2015. Collection method: clinical testing. Allele origin: germline. Not counted in ClinVar's aggregate classification.
Comment: The CAPN3 c.1303G>A variant is predicted to result in the amino acid substitution p.Glu435Lys. This variant has been reported, in the homozygous state or in the heterozygous state along with a second potentially causative variant, in multiple individuals who presented with limb-girdle muscular dystrophy (see for examples, Fanin et al. 2008. PubMed ID: 18854869; Piluso et al. 2005. PubMed ID: 16141003; Ozyilmaz et al. 2022. PubMed ID: 35157181; Nascimbeni et al. 2010. PubMed ID: 20635405). This variant was also described in a large cohort of individuals with limb-girdle weakness, although no additional genetic or functional information was presented to help assess pathogenicity (Table S4, Töpf et al. 2020. PubMed ID: 32528171). This variant is reported in 0.025% of alleles in individuals of Latino descent in gnomAD. Taken together, we classify this variant as likely pathogenic for autosomal recessive disease.

Athena Diagnostics
Classification: Likely pathogenic. Last evaluated: 2024-11-27. Review status: criteria provided, single submitter. Criteria: Athena Diagnostics Criteria. Collection method: clinical testing. Allele origin: unknown. Not counted in ClinVar's aggregate classification.
Comment: The frequency of this variant in the general population is consistent with pathogenicity. Assessment of experimental evidence regarding the effect of this variant on protein function is inconclusive. Experiments performed in the paralagous protein, calpain-2 of rat, suggest this variant increases autocatalytic activity, however, it is unclear if this would also be true in calpain-3. In multiple individuals, this variant has been seen with a single recessive pathogenic variant in the same gene, suggesting this variant may also be pathogenic.

Blueprint Genetics
Classification: Pathogenic for CAPN3-related disorders. Last evaluated: 2024-11-15. Review status: criteria provided, single submitter. Criteria: ACMG Guidelines, 2015. Collection method: clinical testing. Allele origin: germline. Affected: yes. Observed: 5 variant alleles. Not counted in ClinVar's aggregate classification.

Fulgent Genetics
Classification: Likely pathogenic for Autosomal recessive limb-girdle muscular dystrophy type 2A; Muscular dystrophy, limb-girdle, autosomal dominant 4. Last evaluated: 2024-05-07. Review status: criteria provided, single submitter. Criteria: ACMG Guidelines, 2015. Collection method: clinical testing. Allele origin: germline. Not counted in ClinVar's aggregate classification.

NM_000070.3(CAPN3):c.1303G>A (p.Glu435Lys)

Gene: CAPN3 (calpain 3; plus strand). Cytogenetic location: 15q15.1.
Variant type: single nucleotide variant.
Coding change: c.1303G>A on transcript NM_000070.3 (MANE Select); coding-DNA position 1303, G replaced by A.
Protein change: p.Glu435Lys; replaces glutamic acid 435 with lysine.
Molecular consequence: missense variant.
Genome position (GRCh38, 1-based): chr15:42,399,601, G>A. VCF-style: chr15-42399601-G-A. GRCh37 (hg19) VCF-style: chr15-42691799-G-A.
Other names: NM_000070.3(CAPN3):c.1303G>A; p.Glu435Lys; c.1303G>A, p.Glu435Lys (NM_024344.2); c.1159G>A, p.Glu387Lys (NM_173087.2); short protein forms E435K, E387K.
Identifiers: ClinVar variation 282173 (VCV000282173.63), dbSNP rs149914792, ClinGen allele CA7511313.
Genomic context (GRCh38, chr15:42,399,601, plus strand): 5'-AACCTCACGGCCGATGCTCTGCAGTCTGACAAGCTTCAGACCTGGACAGTGTCTGTGAAC[G>A]AGGGCCGCTGGGTACGGGGTTGCTCTGCCGGAGGCTGCCGCAACTTCCCAGGTGGGAGAT-3'
Protein context (NP_000061.1, residues 425-445): KLQTWTVSVN[Glu435Lys]GRWVRGCSAG